The following is an entry in ClinVar:

ClinVar aggregate classification (germline): Likely pathogenic (1 of 4 stars; one submission).

Conditions:
Dilated cardiomyopathy 1G (CMD1G). Identifiers: Orphanet 154, MedGen C1858763, MONDO:0011400, OMIM 604145.
Autosomal recessive limb-girdle muscular dystrophy type 2J (LGMDR10). Also called: Limb-girdle muscular dystrophy, type 2J; MUSCULAR DYSTROPHY, LIMB-GIRDLE, AUTOSOMAL RECESSIVE 10. Identifiers: Orphanet 140922, MedGen C1837342, MONDO:0012127, OMIM 608807.

Submission:

Labcorp Genetics (formerly Invitae), Labcorp
Classification: Likely pathogenic for Dilated cardiomyopathy 1G; Limb-girdle muscular dystrophy, type 2J. Last evaluated: 2019-06-06. Review status: criteria provided, single submitter. Criteria: Invitae Variant Classification Sherloc (09022015). Collection method: clinical testing. Allele origin: germline.
Comment: This sequence change is an Alu-mediated insertion in exon 326 of the TTN mRNA (c.85261_85262insAlu), causing a frameshift at codon 28421 (p.Ile28421fs). The exact size and sequence of the insertion cannot be determined by the current assay. While this insertion is not anticipated to result in nonsense mediated decay, it is expected to create a truncated TTN protein. This variant is not present in population databases (ExAC no frequency). This variant has not been reported in the literature in individuals with TTN-related conditions. Retrotransposon insertions including LINE1 (L1), Alu, and SVA (SINE-VNTR-Alu) have been reported to be disease-causing through disruption of either a coding region or splice site (PMID: 19763152, 20307669, 22406018). This variant is located in the A band of TTN (PMID: 25589632). Truncating variants in this region are significantly overrepresented in patients affected with dilated cardiomyopathy (PMID: 25589632). Truncating variants in this region have also been reported in individuals affected with autosomal recessive centronuclear myopathy (PMID: 23975875). In summary, the currently available evidence indicates that the variant is pathogenic, but additional data are needed to prove that conclusively. Therefore, this variant has been classified as Likely Pathogenic.

Literature cited by the submitters: PubMed 20307669; PubMed 23975875; PubMed 22406018; PubMed 25589632; PubMed 19763152.

NM_001267550.2:c.85261_85262insAlu

Gene: TTN (titin; minus strand). Cytogenetic location: 2q31.2.
Variant type: Insertion.
Identifiers: ClinVar variation 870255 (VCV000870255.1).